The following is an entry in ClinVar:

NM_173491.4(LSM11):c.1062G>A (p.Leu354=)

Gene: LSM11 (LSM11, U7 small nuclear RNA associated; plus strand). Cytogenetic location: 5q33.3.
Variant type: single nucleotide variant.
Coding change: c.1062G>A on transcript NM_173491.4 (MANE Select); coding-DNA position 1062, G replaced by A.
Protein change: p.Leu354=; no amino-acid change (leucine 354 retained).
Molecular consequence: synonymous variant.
Genome position (GRCh38, 1-based): chr5:157,755,243, G>A. VCF-style: chr5-157755243-G-A. GRCh37 (hg19) VCF-style: chr5-157182251-G-A.
Identifiers: ClinVar variation 2656006 (VCV002656006.24), dbSNP rs140586256, ClinGen allele CA3536835.
Genomic context (GRCh38, chr5:157,755,243, plus strand): 5'-TTACCAGCAGGTATTCACTCGACACATAAATCAGATTTTCATTCGAGGCGAGAATGTCCT[G>A]CTGGTTCATCTTGCACAGTGACCAGCTCAGCCTGAGCTTTGGTTTTTAGAAATAAAGTGC-3'
Protein context (NP_775762.1, residues 344-360): NQIFIRGENV[Leu354=]LVHLAQ

ClinVar aggregate classification (germline): Likely benign (1 of 4 stars; one submission).

Allele frequency attached by ClinVar (database versions not stated): 1000 Genomes Project 30x 0.00016; 1000 Genomes Project 0.00020; ESP Exome Variant Server 0.00046; gnomAD 0.00046; ExAC 0.00054.

Submission:

CeGaT Center for Human Genetics Tuebingen
Classification: Likely benign. Last evaluated: 2024-08-01. Review status: criteria provided, single submitter. Criteria: CeGaT Center For Human Genetics Tuebingen Variant Classification Criteria Version 2. Collection method: clinical testing. Allele origin: germline. Affected: yes. Observed: 2 variant alleles.
Comment: LSM11: BP4, BP7